The following is an entry in ClinVar:

ClinVar aggregate classification (germline): Uncertain significance (1 of 4 stars; one submission).

Submission:

GeneDx
Classification: Uncertain significance. Last evaluated: 2017-09-20. Review status: criteria provided, single submitter. Criteria: GeneDx Variant Classification (06012015). Collection method: clinical testing. Allele origin: germline. Affected: yes.
Comment: The Q1173K variant in the JAG1 gene has not been reported previously as a pathogenic variant, nor as a benign variant, to our knowledge. The Q1173K variant is not observed in large population cohorts (Lek et al., 2016). The Q1173K variant is a semi-conservative amino acid substitution, which may impact secondary protein structure as these residues differ in some properties. This substitution occurs at a position that is conserved across species. In silico analysis is inconsistent in its predictions as to whether or not the variant is damaging to the protein structure/function. We interpret Q1173K as a variant of uncertain significance

NM_000214.3(JAG1):c.3517C>A (p.Gln1173Lys)

Gene: JAG1 (jagged canonical Notch ligand 1; minus strand). Cytogenetic location: 20p12.2.
Variant type: single nucleotide variant.
Coding change: c.3517C>A on transcript NM_000214.3 (MANE Select); coding-DNA position 3517, C replaced by A.
Protein change: p.Gln1173Lys; replaces glutamine 1173 with lysine.
Molecular consequence: missense variant.
Genome position (GRCh38, 1-based): chr20:10,639,638, G>T on the plus strand (C>A on the coding strand, the complement: JAG1 is on the minus strand). VCF-style: chr20-10639638-G-T. GRCh37 (hg19) VCF-style: chr20-10620286-G-T.
Other names: c.3517C>A, p.Gln1173Lys (LRG_1191t1); short protein forms Q1173K.
Identifiers: ClinVar variation 452232 (VCV000452232.2), dbSNP rs1555827480, ClinGen allele CA408242664.